The following is an entry in ClinVar:

ClinVar aggregate classification (germline): Uncertain significance (1 of 4 stars; one submission).

Conditions:
Chuvash polycythemia. Also called: POLYCYTHEMIA, VHL-DEPENDENT. Identifiers: Orphanet 238557, MedGen C1837915, MONDO:0009892, OMIM 263400.
Von Hippel-Lindau syndrome (VHLS). Also called: Von Hippel-Lindau; von Hippel–Lindau syndrome; VHL syndrome. Identifiers: Orphanet 892, MedGen C0019562, MONDO:0008667, OMIM 193300. Disease mechanism: loss of function.

Submission:

Labcorp Genetics (formerly Invitae), Labcorp
Classification: Uncertain significance for Von Hippel-Lindau syndrome; Chuvash polycythemia. Last evaluated: 2025-05-22. Review status: criteria provided, single submitter. Criteria: Invitae Variant Classification Sherloc (09022015). Collection method: clinical testing. Allele origin: germline.
Comment: This sequence change falls in intron 1 of the VHL gene. It is not expected to change the encoded amino acid sequence of the VHL protein. However, this sequence change falls within a cryptic exon in the VHL gene, known as exon E1’, which is naturally expressed at low levels in several human tissues (PMID: 29891534). This variant is not present in population databases (gnomAD no frequency). This variant has not been reported in the literature in individuals affected with VHL-related conditions. Algorithms developed to predict the effect of sequence changes on RNA splicing suggest that this variant is not likely to affect RNA splicing. In summary, the available evidence is currently insufficient to determine the role of this variant in disease. Therefore, it has been classified as a Variant of Uncertain Significance.

Literature cited by the submitters: PubMed 29891534.

NM_000551.4(VHL):c.340+582_340+583dup

Genes: VHL (von Hippel-Lindau tumor suppressor; plus strand), LOC107303340 (3p25 von Hippel-Lindau tumor suppressor, E3 ubiquitin protein ligase Alu-mediated recombination region; plus strand). Cytogenetic location: 3p25.3.
Variant type: Duplication.
Coding change: c.340+582_340+583dup on transcript NM_000551.4 (MANE Select); bases 582 to 583 of the intron after coding-DNA position 340, 2 bases duplicated (TG; older notation c.340+582_340+583dupTG).
Molecular consequence: intron variant. On other transcripts: nonsense (1), non-coding transcript variant (1).
Genome position (GRCh38, 1-based): chr3:10,142,769-10,142,770, TG duplicated. VCF-style (leftmost placement, unchanged base first): chr3-10142768-A-ATG. GRCh37 (hg19) VCF-style: chr3-10184452-A-ATG.
Other names: c.347_348dup, p.Thr117Ter (NM_001354723.2); c.340+582_340+583dup (NM_198156.3); short protein forms T117*.
Identifiers: ClinVar variation 4785083 (VCV004785083.1).